The following is an entry in ClinVar:

NM_000492.4(CFTR):c.2490+827_2620-3551del

Gene: CFTR (CF transmembrane conductance regulator; plus strand). Cytogenetic location: 7q31.2.
Variant type: Deletion.
Coding change: c.2490+827_2620-3551del on transcript NM_000492.4 (MANE Select); 827 bases into the intron after coding-DNA position 2490 through 3551 bases into the intron before coding-DNA position 2620, 5,792 bases deleted.
Molecular consequence: splice acceptor variant, splice donor variant.
Genome position (GRCh38, 1-based): chr7:117,593,484-117,599,275, 5,792 bases deleted. GRCh37 (hg19): chr7:117,233,538-117,239,329.
Other names: CFTRdele14a.
Identifiers: ClinVar variation 1705996 (VCV001705996.1), ClinGen allele CA2580076573.

ClinVar aggregate classification (germline): Likely pathogenic (1 of 4 stars; one submission).

Conditions:
Cystic fibrosis (CF). Also called: MUCOVISCIDOSIS. Identifiers: Orphanet 586, MedGen C0010674, MONDO:0009061, OMIM 219700. Disease mechanism: loss of function.

Submission:

Institute of Human Genetics, University of Leipzig Medical Center
Classification: Likely pathogenic for Cystic fibrosis. Last evaluated: 2022-09-05. Review status: criteria provided, single submitter. Criteria: ACMG Guidelines, 2015. Collection method: curation. Allele origin: unknown. Affected: yes. Observed: 1 variant allele.
Comment: The variant was classified in the context of a project re-classifying variants in the German Cystic Fibrosis Registry (Muko.e.V.). Criteria applied: PVS1_STR, PM2_SUP, PM3, PP4